The following is an entry in ClinVar:

NM_148960.3(CLDN19):c.317G>A (p.Arg106Gln)

Gene: CLDN19 (claudin 19; minus strand). Cytogenetic location: 1p34.2.
Variant type: single nucleotide variant.
Coding change: c.317G>A on transcript NM_148960.3 (MANE Select); coding-DNA position 317, G replaced by A.
Protein change: p.Arg106Gln; replaces arginine 106 with glutamine.
Molecular consequence: missense variant.
Genome position (GRCh38, 1-based): chr1:42,738,492, C>T on the plus strand (G>A on the coding strand, the complement: CLDN19 is on the minus strand). VCF-style: chr1-42738492-C-T. GRCh37 (hg19) VCF-style: chr1-43204163-C-T.
Other names: c.317G>A, p.Arg106Gln (NM_001123395.2, NM_001185117.2); c.317G>A (NM_148960.2); short protein forms R106Q.
Identifiers: ClinVar variation 1916893 (VCV001916893.5), dbSNP rs766957259, ClinGen allele CA801404.

ClinVar aggregate classification (germline): Uncertain significance. Review status: criteria provided, multiple submitters, no conflicts (2 of 4 stars). 3 submissions from 3 submitters: Uncertain significance (3). Last evaluated 2025-08-21.

Conditions:
CLDN19-related disorder. Also called: CLDN19-related condition.
Renal hypomagnesemia 5 with ocular involvement. Also called: HYPOMAGNESEMIA 5, RENAL, WITH OR WITHOUT OCULAR INVOLVEMENT; FHHNC WITH SEVERE OCULAR INVOLVEMENT; HYPOMAGNESEMIA, FAMILIAL, WITH HYPERCALCIURIA, NEPHROCALCINOSIS, AND SEVERE OCULAR INVOLVEMENT; MACULAR COLOBOMA, BILATERAL, WITH HYPERCALCIURIA. Identifiers: Orphanet 2196, MedGen C4721891, MONDO:0009548, OMIM 248190.

Allele frequency attached by ClinVar (database versions not stated): gnomAD exomes 0.00002; TOPMed 0.00002; gnomAD 0.00003; ExAC 0.00007.

Submissions (3):

Labcorp Genetics (formerly Invitae), Labcorp
Classification: Uncertain significance. Last evaluated: 2025-08-21. Review status: criteria provided, single submitter. Criteria: Invitae Variant Classification Sherloc (09022015). Collection method: clinical testing. Allele origin: germline.
Comment: This sequence change replaces arginine, which is basic and polar, with glutamine, which is neutral and polar, at codon 106 of the CLDN19 protein (p.Arg106Gln). This variant is present in population databases (rs766957259, gnomAD 0.07%). This variant has not been reported in the literature in individuals affected with CLDN19-related conditions. ClinVar contains an entry for this variant (Variation ID: 1916893). An algorithm developed to predict the effect of missense changes on protein structure and function (PolyPhen-2) suggests that this variant is likely to be disruptive. In summary, the available evidence is currently insufficient to determine the role of this variant in disease. Therefore, it has been classified as a Variant of Uncertain Significance.

PreventionGenetics, part of Exact Sciences
Classification: Uncertain significance for CLDN19-related condition. Last evaluated: 2025-05-22. Review status: criteria provided, single submitter. Criteria: ACMG Guidelines, 2015. Collection method: clinical testing. Allele origin: germline.
Comment: The CLDN19 c.317G>A variant is predicted to result in the amino acid substitution p.Arg106Gln. To our knowledge, this variant has not been reported in the literature. This variant is reported in 0.070% of alleles in individuals of East Asian descent in gnomAD. Although we suspect that this variant may be benign, at this time, the clinical significance of this variant is uncertain due to the absence of conclusive functional and genetic evidence.

Fulgent Genetics
Classification: Uncertain significance for Renal hypomagnesemia 5 with ocular involvement. Last evaluated: 2024-05-18. Review status: criteria provided, single submitter. Criteria: ACMG Guidelines, 2015. Collection method: clinical testing. Allele origin: germline.